The following is an entry in ClinVar:

NM_022124.6(CDH23):c.5650G>A (p.Ala1884Thr)

Gene: CDH23 (cadherin related 23; plus strand). Cytogenetic location: 10q22.1.
Variant type: single nucleotide variant.
Coding change: c.5650G>A on transcript NM_022124.6 (MANE Select); coding-DNA position 5650, G replaced by A.
Protein change: p.Ala1884Thr; replaces alanine 1884 with threonine.
Molecular consequence: missense variant.
Genome position (GRCh38, 1-based): chr10:71,785,038, G>A. VCF-style: chr10-71785038-G-A. GRCh37 (hg19) VCF-style: chr10-73544795-G-A.
Other names: short protein forms A1884T.
Identifiers: ClinVar variation 1513737 (VCV001513737.8), dbSNP rs1277608253, ClinGen allele CA377146977.

ClinVar aggregate classification (germline): Uncertain significance (1 of 4 stars; one submission).

Allele frequency attached by ClinVar (database versions not stated): gnomAD exomes below 0.00001; TOPMed below 0.00001; gnomAD 0.00001.
gnomAD v4.1: 3 of 1,613,974 alleles (0.00019%); highest among the groups gnomAD compares: Non-Finnish European, 0.00017%; no homozygotes.

Submission:

Labcorp Genetics (formerly Invitae), Labcorp
Classification: Uncertain significance. Last evaluated: 2024-10-22. Review status: criteria provided, single submitter. Criteria: Invitae Variant Classification Sherloc (09022015). Collection method: clinical testing. Allele origin: germline.
Comment: This sequence change replaces alanine, which is neutral and non-polar, with threonine, which is neutral and polar, at codon 1884 of the CDH23 protein (p.Ala1884Thr). This variant is not present in population databases (gnomAD no frequency). This variant has not been reported in the literature in individuals affected with CDH23-related conditions. ClinVar contains an entry for this variant (Variation ID: 1513737). Invitae Evidence Modeling of protein sequence and biophysical properties (such as structural, functional, and spatial information, amino acid conservation, physicochemical variation, residue mobility, and thermodynamic stability) has been performed for this missense variant. However, the output from this modeling did not meet the statistical confidence thresholds required to predict the impact of this variant on CDH23 protein function. In summary, the available evidence is currently insufficient to determine the role of this variant in disease. Therefore, it has been classified as a Variant of Uncertain Significance.